The following is an entry in ClinVar:

NM_006904.7(PRKDC):c.1257C>A (p.Ser419Arg)

Gene: PRKDC (protein kinase, DNA-activated, catalytic subunit; minus strand). Cytogenetic location: 8q11.21.
Variant type: single nucleotide variant.
Coding change: c.1257C>A on transcript NM_006904.7 (MANE Select); coding-DNA position 1257, C replaced by A.
Protein change: p.Ser419Arg; replaces serine 419 with arginine.
Molecular consequence: missense variant.
Genome position (GRCh38, 1-based): chr8:47,936,374, G>T on the plus strand (C>A on the coding strand, the complement: PRKDC is on the minus strand). VCF-style: chr8-47936374-G-T. GRCh37 (hg19) VCF-style: chr8-48848934-G-T.
Other names: c.1257C>A, p.Ser419Arg (NM_001081640.2); short protein forms S419R.
Identifiers: ClinVar variation 3310182 (VCV003310182.1).
Genomic context (GRCh38, chr8:47,936,374, plus strand): 5'-ATTAAATACTTAAAATTGTGCTCAGTTTAGTTCACTTACTGTGTCAAGGTACAGCAAGAC[G>T]CTTGCAACAGACTGGAGGAAGCTTGGCATCTGATAAACACGGTCGTCACCAGTGTCTGTC-3'
Protein context (NP_008835.5, residues 409-429): QMPSFLQSVA[Ser419Arg]VLLYLDTVPE

ClinVar aggregate classification (germline): Uncertain significance (1 of 4 stars; one submission).

Submission:

Ambry Genetics
Classification: Uncertain significance. Last evaluated: 2024-06-11. Review status: criteria provided, single submitter. Criteria: Ambry Variant Classification Scheme 2023. Collection method: clinical testing. Allele origin: germline.
Comment: The p.S419R variant (also known as c.1257C>A), located in coding exon 12 of the PRKDC gene, results from a C to A substitution at nucleotide position 1257. The serine at codon 419 is replaced by arginine, an amino acid with dissimilar properties. This amino acid position is conserved. In addition, the in silico prediction for this alteration is inconclusive. Based on the available evidence, the clinical significance of this variant remains unclear.